The following is an entry in ClinVar:

ClinVar aggregate classification (germline): Benign. Review status: criteria provided, multiple submitters, no conflicts (2 of 4 stars). 12 submissions from 11 submitters: Benign (9). 3 of the submissions do not count toward it. Last evaluated 2026-02-03.

Conditions:
Hereditary cancer-predisposing syndrome. Also called: Tumor predisposition; Hereditary neoplastic syndrome; Neoplastic Syndromes, Hereditary; Hereditary Cancer Syndrome. Identifiers: Orphanet 140162, MedGen C0027672, MeSH D009386, MONDO:0015356.
Holoprosencephaly 7 (HPE7). Identifiers: Orphanet 2162, MedGen C1835820, MONDO:0012562, OMIM 610828.
Gorlin syndrome. Also called: Nevoid Basal Cell Carcinoma Syndrome; Basal cell nevus syndrome. Identifiers: Orphanet 377, MedGen C0004779, MONDO:0007187.
PTCH1-related disorder. Also called: PTCH1-related disorders; PTCH1-related condition.

Allele frequency attached by ClinVar (database versions not stated): gnomAD exomes 0.00053 and 0.00215; gnomAD 0.00063 and 0.00086; TOPMed 0.00114; ExAC 0.00203; 1000 Genomes Project 30x 0.00437; 1000 Genomes Project 0.00459.
gnomAD v4.1: 943 of 1,614,054 alleles (0.058%); highest among the groups gnomAD compares: East Asian, 1.9%; 11 homozygotes.

Submissions (12):

Labcorp Genetics (formerly Invitae), Labcorp
Classification: Benign for Gorlin syndrome. Last evaluated: 2026-02-03. Review status: criteria provided, single submitter. Criteria: Invitae Variant Classification Sherloc (09022015). Collection method: clinical testing. Allele origin: germline.

Center for Genomic Medicine, Rigshospitalet, Copenhagen University Hospital
Classification: Benign. Last evaluated: 2025-12-29. Review status: criteria provided, single submitter. Criteria: ACMG Guidelines, 2015. Collection method: clinical testing. Allele origin: germline.

KCCC/NGS Laboratory, Kuwait Cancer Control Center
Classification: Benign for Basal cell nevus syndrome 1. Last evaluated: 2023-07-07. Review status: criteria provided, single submitter. Criteria: ACMG Guidelines, 2015. Collection method: clinical testing. Allele origin: germline. Affected: yes.

GeneDx
Classification: Benign. Last evaluated: 2020-02-24. Review status: criteria provided, single submitter. Criteria: GeneDx Variant Classification Process June 2021. Collection method: clinical testing. Allele origin: germline. Affected: yes.

Illumina Laboratory Services, Illumina
Classification: Benign for Holoprosencephaly 7. Last evaluated: 2018-01-12. Review status: criteria provided, single submitter. Criteria: ICSL Variant Classification Criteria 13 December 2019. Collection method: clinical testing. Allele origin: germline.
Comment: This variant was observed in the ICSL laboratory as part of a predisposition screen in an ostensibly healthy population. It had not been previously curated by ICSL or reported in the Human Gene Mutation Database (HGMD: prior to June 1st, 2018), and was therefore a candidate for classification through an automated scoring system. Utilizing variant allele frequency, disease prevalence and penetrance estimates, and inheritance mode, an automated score was calculated to assess if this variant is too frequent to cause the disease. Based on the score and internal cut-off values, a variant classified as benign is not then subjected to further curation. The score for this variant resulted in a classification of benign for this disease.

Illumina Laboratory Services, Illumina
Classification: Benign for Basal cell nevus syndrome 1. Last evaluated: 2018-01-12. Review status: criteria provided, single submitter. Criteria: ICSL Variant Classification Criteria 13 December 2019. Collection method: clinical testing. Allele origin: germline.
Comment: the same text as in the submission from Illumina Laboratory Services, Illumina above.

Genetic Services Laboratory, University of Chicago
Classification: Benign. Last evaluated: 2017-12-19. Review status: criteria provided, single submitter. Criteria: ACMG Guidelines, 2015. Collection method: clinical testing. Allele origin: germline. Affected: no.

Ambry Genetics
Classification: Benign for Hereditary cancer-predisposing syndrome. Last evaluated: 2017-03-13. Review status: criteria provided, single submitter. Criteria: Ambry Variant Classification Scheme 2023. Collection method: clinical testing. Allele origin: germline.

Breakthrough Genomics
Classification: Benign. Review status: criteria provided, single submitter. Criteria: ACMG Guidelines, 2015. Collection method: not provided. Allele origin: germline. Inheritance: Autosomal dominant inheritance. Affected: yes.

PreventionGenetics, part of Exact Sciences
Classification: Likely benign for PTCH1-related condition. Last evaluated: 2019-06-17. Review status: no assertion criteria provided. Collection method: clinical testing. Allele origin: germline. Not counted in ClinVar's aggregate classification.
Comment: This variant is classified as likely benign based on ACMG/AMP sequence variant interpretation guidelines (Richards et al. 2015 PMID: 25741868, with internal and published modifications).

Clinical Genetics DNA and cytogenetics Diagnostics Lab, Erasmus MC, Erasmus Medical Center
Classification: Benign. Review status: no assertion criteria provided. Collection method: clinical testing. Allele origin: germline. Affected: yes. Study: VKGL Data-share Consensus. Not counted in ClinVar's aggregate classification.

Genome Diagnostics Laboratory, Amsterdam University Medical Center
Classification: Benign. Review status: no assertion criteria provided. Collection method: clinical testing. Allele origin: germline. Affected: yes. Study: VKGL Data-share Consensus. Not counted in ClinVar's aggregate classification.

NM_000264.5(PTCH1):c.2913T>C (p.Tyr971=)

Gene: PTCH1 (patched 1; minus strand). Cytogenetic location: 9q22.32.
Variant type: single nucleotide variant.
Coding change: c.2913T>C on transcript NM_000264.5 (MANE Select); coding-DNA position 2913, T replaced by C.
Protein change: p.Tyr971=; no amino-acid change (tyrosine 971 retained).
Molecular consequence: synonymous variant. On other transcripts: non-coding transcript variant (1).
Genome position (GRCh38, 1-based): chr9:95,458,268, A>G on the plus strand (T>C on the coding strand, the complement: PTCH1 is on the minus strand). VCF-style: chr9-95458268-A-G. GRCh37 (hg19) VCF-style: chr9-98220550-A-G.
Other names: c.2715T>C, p.Tyr905= (NM_001083602.3); c.2910T>C, p.Tyr970= (NM_001083603.3); c.2460T>C, p.Tyr820= (NM_001083604.3, NM_001083605.3, NM_001083606.3 and 1 more transcripts); c.2757T>C, p.Tyr919= (NM_001354918.2).
Identifiers: ClinVar variation 220439 (VCV000220439.30), dbSNP rs2229062, ClinGen allele CA350425.
Genomic context (GRCh38, chr9:95,458,268, plus strand): 5'-AATTGCCTCCACAAAGTCTGAGGTGTCCCGCAAGCCGTTGAGGTAGAAAGGGAACTGGGC[A>G]TACTCGATGGGCTCTGCTGCCGGGACTGGACAGAGAAGGGCACAGGTTAGGAGCAGCCCA-3'
Protein context (NP_000255.2, residues 961-981): LRIPAAEPIE[Tyr971=]AQFPFYLNGL